The following is an entry in ClinVar:

NM_004385.5(VCAN):c.5979G>A (p.Met1993Ile)

Genes: VCAN (versican; plus strand), VCAN-AS1 (VCAN antisense RNA 1; minus strand). Cytogenetic location: 5q14.3.
Variant type: single nucleotide variant.
Coding change: c.5979G>A on transcript NM_004385.5 (MANE Select); coding-DNA position 5979, G replaced by A.
Protein change: p.Met1993Ile; replaces methionine 1993 with isoleucine.
Molecular consequence: missense variant. On other transcripts: intron variant (2).
Genome position (GRCh38, 1-based): chr5:83,538,982, G>A. VCF-style: chr5-83538982-G-A. GRCh37 (hg19) VCF-style: chr5-82834801-G-A.
Other names: c.3018G>A, p.Met1006Ile (NM_001164097.2); c.4004-6555G>A (NM_001164098.2); c.1043-6555G>A (NM_001126336.3); short protein forms M1993I, M1006I.
Identifiers: ClinVar variation 1918163 (VCV001918163.5), dbSNP rs2479111142, ClinGen allele CA360311568.

ClinVar aggregate classification (germline): Uncertain significance (1 of 4 stars; one submission).

Allele frequency attached by ClinVar (database versions not stated): gnomAD exomes 0.00001.

Submission:

Labcorp Genetics (formerly Invitae), Labcorp
Classification: Uncertain significance. Last evaluated: 2022-04-04. Review status: criteria provided, single submitter. Criteria: Invitae Variant Classification Sherloc (09022015). Collection method: clinical testing. Allele origin: germline.
Comment: In summary, the available evidence is currently insufficient to determine the role of this variant in disease. Therefore, it has been classified as a Variant of Uncertain Significance. Algorithms developed to predict the effect of missense changes on protein structure and function (SIFT, PolyPhen-2, Align-GVGD) all suggest that this variant is likely to be tolerated. This variant has not been reported in the literature in individuals affected with VCAN-related conditions. This variant is not present in population databases (gnomAD no frequency). This sequence change replaces methionine, which is neutral and non-polar, with isoleucine, which is neutral and non-polar, at codon 1993 of the VCAN protein (p.Met1993Ile).